The following is an entry in ClinVar:

NM_014862.4(ARNT2):c.523C>T (p.Gln175Ter)

Gene: ARNT2 (aryl hydrocarbon receptor nuclear translocator 2; plus strand). Cytogenetic location: 15q25.1.
Variant type: single nucleotide variant.
Coding change: c.523C>T on transcript NM_014862.4 (MANE Select); coding-DNA position 523, C replaced by T.
Protein change: p.Gln175Ter; replaces glutamine 175 with a stop codon.
Molecular consequence: nonsense.
Genome position (GRCh38, 1-based): chr15:80,475,124, C>T. VCF-style: chr15-80475124-C-T. GRCh37 (hg19) VCF-style: chr15-80767465-C-T.
Other names: short protein forms Q175*.
Identifiers: ClinVar variation 4717833 (VCV004717833.1).

ClinVar aggregate classification (germline): Pathogenic (1 of 4 stars; one submission).

Submission:

Labcorp Genetics (formerly Invitae), Labcorp
Classification: Pathogenic. Last evaluated: 2025-04-23. Review status: criteria provided, single submitter. Criteria: Invitae Variant Classification Sherloc (09022015). Collection method: clinical testing. Allele origin: germline.
Comment: This sequence change creates a premature translational stop signal (p.Gln175*) in the ARNT2 gene. It is expected to result in an absent or disrupted protein product. Loss-of-function variants in ARNT2 are known to be pathogenic (PMID: 24022475). This variant is not present in population databases (gnomAD no frequency). This variant has not been reported in the literature in individuals affected with ARNT2-related conditions. For these reasons, this variant has been classified as Pathogenic.

Literature cited by the submitters: PubMed 24022475.